The following is an entry in ClinVar:

NM_144508.5(KNL1):c.*7G>C

Gene: KNL1 (kinetochore scaffold 1; plus strand). Cytogenetic location: 15q15.1.
Variant type: single nucleotide variant.
Coding change: c.*7G>C on transcript NM_144508.5 (MANE Select); 7 bases downstream of the stop codon, G replaced by C.
Molecular consequence: 3 prime UTR variant.
Genome position (GRCh38, 1-based): chr15:40,662,195, G>C. VCF-style: chr15-40662195-G-C. GRCh37 (hg19) VCF-style: chr15-40954393-G-C.
Other names: c.*7G>C (NM_170589.5).
Identifiers: ClinVar variation 434577 (VCV000434577.8), dbSNP rs565293268, ClinGen allele CA7483878.

ClinVar aggregate classification (germline): Likely benign. Review status: criteria provided, single submitter (1 of 4 stars). 2 submissions from 2 submitters: Likely benign (1). 1 of the submissions does not count toward it. Last evaluated 2017-05-01.

Conditions:
KNL1-related disorder. Also called: KNL1-related condition.

Allele frequency attached by ClinVar (database versions not stated): gnomAD exomes 0.00025; ExAC 0.00042; gnomAD 0.00135 and 0.00144; 1000 Genomes Project 0.00140; 1000 Genomes Project 30x 0.00187.

Submissions (2):

Genetic Services Laboratory, University of Chicago
Classification: Likely benign. Last evaluated: 2017-05-01. Review status: criteria provided, single submitter. Criteria: ACMG Guidelines, 2015. Collection method: clinical testing. Allele origin: germline. Affected: no.

PreventionGenetics, part of Exact Sciences
Classification: Likely benign for KNL1-related condition. Last evaluated: 2019-02-22. Review status: no assertion criteria provided. Collection method: clinical testing. Allele origin: germline. Not counted in ClinVar's aggregate classification.
Comment: This variant is classified as likely benign based on ACMG/AMP sequence variant interpretation guidelines (Richards et al. 2015 PMID: 25741868, with internal and published modifications).